The following is an entry in ClinVar:

NM_001940.4(ATN1):c.757C>T (p.His253Tyr)

Gene: ATN1 (atrophin 1; plus strand). Cytogenetic location: 12p13.31.
Variant type: single nucleotide variant.
Coding change: c.757C>T on transcript NM_001940.4 (MANE Select); coding-DNA position 757, C replaced by T.
Protein change: p.His253Tyr; replaces histidine 253 with tyrosine.
Molecular consequence: missense variant.
Genome position (GRCh38, 1-based): chr12:6,936,024, C>T. VCF-style: chr12-6936024-C-T. GRCh37 (hg19) VCF-style: chr12-7045187-C-T.
Other names: c.757C>T, p.His253Tyr (NM_001007026.2, NM_001424176.1, NM_001424177.1 and 1 more transcripts); c.754C>T, p.His252Tyr (NM_001424179.1, NM_001424180.1); short protein forms H252Y, H253Y.
Identifiers: ClinVar variation 4851724 (VCV004851724.1).
Genomic context (GRCh38, chr12:6,936,024, plus strand): 5'-ATGGGTCCCAAGGGGGGAGGGGCTGCCTCATCAGTGGGGGGCCCTAATGGGGGTAAGCAG[C>T]ACCCCCCACCCACTACTCCCATTTCAGTATCAAGCTCTGGGGCTAGTGGTGCTCCCCCAA-3'
Protein context (NP_001931.2, residues 243-263): SVGGPNGGKQ[His253Tyr]PPPTTPISVS

ClinVar aggregate classification (germline): Uncertain significance (1 of 4 stars; one submission).

Submission:

Greenwood Genetic Center Diagnostic Laboratories, Greenwood Genetic Center
Classification: Uncertain significance. Last evaluated: 2025-03-11. Review status: criteria provided, single submitter. Criteria: ACMG Guidelines, 2015. Collection method: clinical testing. Allele origin: germline.
Comment: PM2, BP4